The following is an entry in ClinVar:

NM_021222.3(PRUNE1):c.132+2T>C

Gene: PRUNE1 (prune exopolyphosphatase 1; plus strand). Cytogenetic location: 1q21.3.
Variant type: single nucleotide variant.
Coding change: c.132+2T>C on transcript NM_021222.3 (MANE Select); the canonical splice donor site of the intron after coding-DNA position 132, T replaced by C.
Molecular consequence: splice donor variant.
Genome position (GRCh38, 1-based): chr1:151,017,906, T>C. VCF-style: chr1-151017906-T-C. GRCh37 (hg19) VCF-style: chr1-150990382-T-C.
Other names: c.132+2T>C (NM_001303242.2); c.-128+2T>C (NM_001303243.2); c.-212+2T>C (NM_001303229.2).
Identifiers: ClinVar variation 932732 (VCV000932732.3), dbSNP rs1674200670, ClinGen allele CA341903081.

ClinVar aggregate classification (germline): Pathogenic. Review status: criteria provided, multiple submitters, no conflicts (2 of 4 stars). 2 submissions from 2 submitters: Pathogenic (2). Last evaluated 2023-09-21.

Conditions:
Neurodevelopmental disorder with microcephaly, hypotonia, and variable brain anomalies (NMIHBA). Identifiers: Orphanet 544469, MedGen C4479566, MONDO:0060490, OMIM 617481.

Submissions (2):

GeneDx
Classification: Pathogenic. Last evaluated: 2023-09-21. Review status: criteria provided, single submitter. Criteria: GeneDx Variant Classification Process June 2021. Collection method: clinical testing. Allele origin: germline. Affected: yes.
Comment: Canonical splice site variant predicted to result in an in-frame loss of the adjacent exon in a gene for which loss of function is a known mechanism of disease; Not observed at significant frequency in large population cohorts (gnomAD); This variant is associated with the following publications: (PMID: 34111303)

Department of Biochemistry, Faculty of Medicine, University of Khartoum
Classification: Pathogenic for Neurodevelopmental disorder with microcephaly, hypotonia, and variable brain anomalies. Last evaluated: 2020-06-05. Review status: criteria provided, single submitter. Criteria: ACMG Guidelines, 2015. Collection method: research. Allele origin: germline. Inheritance: Autosomal recessive inheritance. Affected: yes. Observed: 5 homozygotes.
Comment: NM_021222.3:c.132+2T>C is a canonical splice site variant in PRUNE1 gene, a gene when damaged known to cause a syndrome of neurodevelopmental disorder with microcephaly, hypotonia, and variable brain anomalies. A pathogenic splice site variant in this gene has been reported before (Costain et al. 2017). We identified five patients from two unrelated consanguineous families manifesting neurodevelopmental disorder with microcephaly, hypotonia, and variable brain anomalies and segregating the NM_021222.3:c.132+2T>C variant.